The following is an entry in ClinVar:

NM_205861.3(DHDDS):c.550T>G (p.Ser184Ala)

Gene: DHDDS (dehydrodolichyl diphosphate synthase subunit; plus strand). Cytogenetic location: 1p36.11.
Variant type: single nucleotide variant.
Coding change: c.550T>G on transcript NM_205861.3 (MANE Select); coding-DNA position 550, T replaced by G.
Protein change: p.Ser184Ala; replaces serine 184 with alanine.
Molecular consequence: missense variant.
Genome position (GRCh38, 1-based): chr1:26,457,798, T>G. VCF-style: chr1-26457798-T-G. GRCh37 (hg19) VCF-style: chr1-26784289-T-G.
Other names: c.550T>G, p.Ser184Ala (NM_024887.4); c.448T>G, p.Ser150Ala (NM_001243564.2); c.433T>G, p.Ser145Ala (NM_001243565.2); c.271T>G, p.Ser91Ala (NM_001319959.2); short protein forms S184A, S145A, S91A, S150A.
Identifiers: ClinVar variation 2117077 (VCV002117077.1), dbSNP rs367964869, ClinGen allele CA705399.

ClinVar aggregate classification (germline): Uncertain significance (1 of 4 stars; one submission).

Conditions:
Retinitis pigmentosa 59 (RP59). Identifiers: Orphanet 791, MedGen C3151227, MONDO:0013468, OMIM 613861.

Allele frequency attached by ClinVar (database versions not stated): ExAC 0.00001; ESP Exome Variant Server 0.00008.

Submission:

Labcorp Genetics (formerly Invitae), Labcorp
Classification: Uncertain significance for Retinitis pigmentosa 59. Last evaluated: 2022-05-04. Review status: criteria provided, single submitter. Criteria: Invitae Variant Classification Sherloc (09022015). Collection method: clinical testing. Allele origin: germline.
Comment: This sequence change replaces serine, which is neutral and polar, with alanine, which is neutral and non-polar, at codon 184 of the DHDDS protein (p.Ser184Ala). This variant is present in population databases (rs367964869, gnomAD 0.0009%). This variant has not been reported in the literature in individuals affected with DHDDS-related conditions. Algorithms developed to predict the effect of missense changes on protein structure and function are either unavailable or do not agree on the potential impact of this missense change (SIFT: "Tolerated"; PolyPhen-2: "Possibly Damaging"; Align-GVGD: "Class C15"). In summary, the available evidence is currently insufficient to determine the role of this variant in disease. Therefore, it has been classified as a Variant of Uncertain Significance.